The following is an entry in ClinVar:

NM_000368.5(TSC1):c.1049C>A (p.Ser350Tyr)

Gene: TSC1 (TSC complex subunit 1; minus strand). Cytogenetic location: 9q34.13.
Variant type: single nucleotide variant.
Coding change: c.1049C>A on transcript NM_000368.5 (MANE Select); coding-DNA position 1049, C replaced by A.
Protein change: p.Ser350Tyr; replaces serine 350 with tyrosine.
Molecular consequence: missense variant. On other transcripts: 5 prime UTR variant (2), non-coding transcript variant (5).
Genome position (GRCh38, 1-based): chr9:132,911,094, G>T on the plus strand (C>A on the coding strand, the complement: TSC1 is on the minus strand). VCF-style: chr9-132911094-G-T. GRCh37 (hg19) VCF-style: chr9-135786481-G-T.
Other names: c.1049C>A, p.Ser350Tyr (NM_001406608.1, NM_001406609.1, NM_001162426.2 and 16 more transcripts); c.896C>A, p.Ser299Tyr (NM_001406610.1, NM_001406611.1, NM_001406612.1 and 2 more transcripts); c.686C>A, p.Ser229Tyr (NM_001406614.1, NM_001406615.1, NM_001406616.1 and 10 more transcripts); c.98C>A, p.Ser33Tyr (NM_001406627.1, NM_001406628.1, NM_001406626.1); c.-2C>A (NM_001406629.1, NM_001406630.1); short protein forms S33Y, S229Y, S299Y, S350Y.
Identifiers: ClinVar variation 3974548 (VCV003974548.1).

ClinVar aggregate classification (germline): Uncertain significance (1 of 4 stars; one submission).

Conditions:
Hereditary cancer-predisposing syndrome. Also called: Tumor predisposition; Hereditary neoplastic syndrome; Hereditary Cancer Syndrome; Neoplastic Syndromes, Hereditary. Identifiers: Orphanet 140162, MedGen C0027672, MeSH D009386, MONDO:0015356.

Submission:

Ambry Genetics
Classification: Uncertain significance for Hereditary cancer-predisposing syndrome. Last evaluated: 2025-04-03. Review status: criteria provided, single submitter. Criteria: Ambry Variant Classification Scheme 2023. Collection method: clinical testing. Allele origin: germline.
Comment: The p.S350Y variant (also known as c.1049C>A), located in coding exon 9 of the TSC1 gene, results from a C to A substitution at nucleotide position 1049. The serine at codon 350 is replaced by tyrosine, an amino acid with dissimilar properties. This amino acid position is conserved. In addition, this alteration is predicted to be deleterious by in silico analysis. Based on the available evidence, the clinical significance of this variant remains unclear.